The following is an entry in ClinVar:

NM_144997.7(FLCN):c.1314C>G (p.Ile438Met)

Gene: FLCN (folliculin; minus strand). Cytogenetic location: 17p11.2.
Variant type: single nucleotide variant.
Coding change: c.1314C>G on transcript NM_144997.7 (MANE Select); coding-DNA position 1314, C replaced by G.
Protein change: p.Ile438Met; replaces isoleucine 438 with methionine.
Molecular consequence: missense variant.
Genome position (GRCh38, 1-based): chr17:17,215,303, G>C on the plus strand (C>G on the coding strand, the complement: FLCN is on the minus strand). VCF-style: chr17-17215303-G-C. GRCh37 (hg19) VCF-style: chr17-17118617-G-C.
Other names: c.1368C>G, p.Ile456Met (NM_001353229.2); c.1314C>G, p.Ile438Met (NM_001353230.2, NM_001353231.2); short protein forms I438M, I456M.
Identifiers: ClinVar variation 2806896 (VCV002806896.3), dbSNP rs771247255, ClinGen allele CA398531488.

ClinVar aggregate classification (germline): Uncertain significance (1 of 4 stars; one submission).

Conditions:
Birt-Hogg-Dube syndrome. Also called: Birt Hogg Dubé syndrome. Identifiers: Orphanet 122, MedGen C0346010, MONDO:0800444.

Submission:

Labcorp Genetics (formerly Invitae), Labcorp
Classification: Uncertain significance for Birt-Hogg-Dube syndrome. Last evaluated: 2022-12-26. Review status: criteria provided, single submitter. Criteria: Invitae Variant Classification Sherloc (09022015). Collection method: clinical testing. Allele origin: germline.
Comment: In summary, the available evidence is currently insufficient to determine the role of this variant in disease. Therefore, it has been classified as a Variant of Uncertain Significance. Advanced modeling of protein sequence and biophysical properties (such as structural, functional, and spatial information, amino acid conservation, physicochemical variation, residue mobility, and thermodynamic stability) performed at Invitae indicates that this missense variant is not expected to disrupt FLCN protein function. This variant has not been reported in the literature in individuals affected with FLCN-related conditions. This variant is not present in population databases (gnomAD no frequency). This sequence change replaces isoleucine, which is neutral and non-polar, with methionine, which is neutral and non-polar, at codon 438 of the FLCN protein (p.Ile438Met).